The following is an entry in ClinVar:

ClinVar aggregate classification (germline): Uncertain significance. Review status: criteria provided, multiple submitters, no conflicts (2 of 4 stars). 3 submissions from 3 submitters: Uncertain significance (3). Last evaluated 2025-03-14.

Conditions:
Cardiovascular phenotype. Identifiers: MedGen CN230736.
Dilated cardiomyopathy 1KK (CMD1KK). Identifiers: Orphanet 154, Orphanet 75249, MedGen C3714995, MONDO:0014100, OMIM 615248.

Allele frequency attached by ClinVar (database versions not stated): TOPMed 0.00003.
gnomAD v4.1: 16 of 1,613,824 alleles (0.00099%); highest among the groups gnomAD compares: East Asian, 0.0067%; no homozygotes.

Submissions (3):

Ambry Genetics
Classification: Uncertain significance for Cardiovascular phenotype. Last evaluated: 2025-03-14. Review status: criteria provided, single submitter. Criteria: Ambry Variant Classification Scheme 2023. Collection method: clinical testing. Allele origin: germline.
Comment: The p.R1069C variant (also known as c.3205C>T), located in coding exon 15 of the MYPN gene, results from a C to T substitution at nucleotide position 3205. The arginine at codon 1069 is replaced by cysteine, an amino acid with highly dissimilar properties. This amino acid position is well conserved in available vertebrate species. In addition, this alteration is predicted to be deleterious by in silico analysis. Based on the available evidence, the clinical significance of this variant remains unclear.

GeneDx
Classification: Uncertain significance. Last evaluated: 2024-12-10. Review status: criteria provided, single submitter. Criteria: GeneDx Variant Classification Process June 2021. Collection method: clinical testing. Allele origin: germline. Affected: yes.
Comment: Not observed at significant frequency in large population cohorts (gnomAD); In silico analysis supports that this missense variant has a deleterious effect on protein structure/function; This variant is associated with the following publications: (PMID: 33658040)

Labcorp Genetics (formerly Invitae), Labcorp
Classification: Uncertain significance for Dilated cardiomyopathy 1KK. Last evaluated: 2022-08-19. Review status: criteria provided, single submitter. Criteria: Invitae Variant Classification Sherloc (09022015). Collection method: clinical testing. Allele origin: germline.
Comment: This sequence change replaces arginine, which is basic and polar, with cysteine, which is neutral and slightly polar, at codon 1069 of the MYPN protein (p.Arg1069Cys). This variant is present in population databases (rs368448794, gnomAD 0.01%). This missense change has been observed in individual(s) with hypertrophic cardiomyopathy (PMID: 33658040). ClinVar contains an entry for this variant (Variation ID: 835993). Algorithms developed to predict the effect of missense changes on protein structure and function (SIFT, PolyPhen-2, Align-GVGD) all suggest that this variant is likely to be disruptive. In summary, the available evidence is currently insufficient to determine the role of this variant in disease. Therefore, it has been classified as a Variant of Uncertain Significance.

Literature cited by the submitters: PubMed 33658040 (cited by Labcorp Genetics (formerly Invitae), Labcorp).

NM_032578.4(MYPN):c.3205C>T (p.Arg1069Cys)

Gene: MYPN (myopalladin; plus strand). Cytogenetic location: 10q21.3.
Variant type: single nucleotide variant.
Coding change: c.3205C>T on transcript NM_032578.4 (MANE Select); coding-DNA position 3205, C replaced by T.
Protein change: p.Arg1069Cys; replaces arginine 1069 with cysteine.
Molecular consequence: missense variant. On other transcripts: non-coding transcript variant (2).
Genome position (GRCh38, 1-based): chr10:68,197,398, C>T. VCF-style: chr10-68197398-C-T. GRCh37 (hg19) VCF-style: chr10-69957155-C-T.
Other names: c.3205C>T, p.Arg1069Cys (NM_001256267.2); c.2323C>T, p.Arg775Cys (NM_001256268.2); c.3205C>T (NM_032578.2); short protein forms R1069C, R775C.
Identifiers: ClinVar variation 835993 (VCV000835993.9), dbSNP rs368448794, ClinGen allele CA5522986.